The following is an entry in ClinVar:

NM_000548.5(TSC2):c.1506C>T (p.His502=)

Gene: TSC2 (TSC complex subunit 2; plus strand). Cytogenetic location: 16p13.3.
Variant type: single nucleotide variant.
Coding change: c.1506C>T on transcript NM_000548.5 (MANE Select); coding-DNA position 1506, C replaced by T.
Protein change: p.His502=; no amino-acid change (histidine 502 retained).
Molecular consequence: synonymous variant. On other transcripts: 5 prime UTR variant (1), non-coding transcript variant (5).
Genome position (GRCh38, 1-based): chr16:2,064,334, C>T. VCF-style: chr16-2064334-C-T. GRCh37 (hg19) VCF-style: chr16-2114335-C-T.
Other names: c.1506C>T, p.His502= (NM_001077183.3, NM_001114382.3, NM_001363528.2 and 6 more transcripts); c.1395C>T, p.His465= (NM_001318827.2, NM_001406670.1, NM_001406678.1); c.1359C>T, p.His453= (NM_001318829.2, NM_001406675.1, NM_001406676.1 and 1 more transcripts); c.906C>T, p.His302= (NM_001318831.2, NM_001406680.1, NM_001406682.1 and 6 more transcripts); c.1539C>T, p.His513= (NM_001318832.2); c.1596C>T, p.His532= (NM_001406667.1, NM_001406668.1); c.1494C>T, p.His498= (NM_001406671.1, NM_001406673.1); c.1449C>T, p.His483= (NM_001406677.1); and 3 more.
Identifiers: ClinVar variation 3009625 (VCV003009625.5), dbSNP rs2548570951, ClinGen allele CA492962887.

ClinVar aggregate classification (germline): Benign/Likely benign. Review status: criteria provided, multiple submitters, no conflicts (2 of 4 stars). 3 submissions from 3 submitters: Benign (1); Likely benign (2). Last evaluated 2026-07-13.

Conditions:
Tuberous sclerosis 2 (TSC2). Identifiers: Orphanet 805, MedGen C1860707, MONDO:0013199, OMIM 613254.
Hereditary cancer-predisposing syndrome. Also called: Hereditary Cancer Syndrome; Hereditary neoplastic syndrome; Neoplastic Syndromes, Hereditary; Tumor predisposition. Identifiers: Orphanet 140162, MedGen C0027672, MeSH D009386, MONDO:0015356.

Submissions (3):

Ambry Genetics
Classification: Likely benign for Hereditary cancer-predisposing syndrome. Last evaluated: 2026-07-13. Review status: criteria provided, single submitter. Criteria: Ambry Variant Classification Scheme 2023. Collection method: clinical testing. Allele origin: germline.

Myriad Genetics, Inc.
Classification: Benign for Tuberous sclerosis 2. Last evaluated: 2025-05-14. Review status: criteria provided, single submitter. Criteria: Myriad Autosomal Dominant, Autosomal Recessive and X-Linked Classification Criteria (2023). Collection method: clinical testing. Allele origin: unknown.
Comment: This variant is considered benign. This variant is a silent/synonymous amino acid change and it is not expected to impact splicing.

Labcorp Genetics (formerly Invitae), Labcorp
Classification: Likely benign for Tuberous sclerosis 2. Last evaluated: 2024-08-19. Review status: criteria provided, single submitter. Criteria: Invitae Variant Classification Sherloc (09022015). Collection method: clinical testing. Allele origin: germline.